The following is an entry in ClinVar:

NM_002470.4(MYH3):c.5387A>G (p.His1796Arg)

Gene: MYH3 (myosin heavy chain 3; minus strand). Cytogenetic location: 17p13.1.
Variant type: single nucleotide variant.
Coding change: c.5387A>G on transcript NM_002470.4 (MANE Select); coding-DNA position 5387, A replaced by G.
Protein change: p.His1796Arg; replaces histidine 1796 with arginine.
Molecular consequence: missense variant.
Genome position (GRCh38, 1-based): chr17:10,630,358, T>C on the plus strand (A>G on the coding strand, the complement: MYH3 is on the minus strand). VCF-style: chr17-10630358-T-C. GRCh37 (hg19) VCF-style: chr17-10533675-T-C.
Other names: short protein forms H1796R.
Identifiers: ClinVar variation 2397612 (VCV002397612.4), dbSNP rs761072452, ClinGen allele CA8391948.

ClinVar aggregate classification (germline): Uncertain significance. Review status: criteria provided, multiple submitters, no conflicts (2 of 4 stars). 2 submissions from 2 submitters: Uncertain significance (2). Last evaluated 2024-03-05.

Conditions:
Inborn genetic diseases. Identifiers: MedGen C0950123, MeSH D030342.

Allele frequency attached by ClinVar (database versions not stated): gnomAD exomes below 0.00001; TOPMed below 0.00001; gnomAD 0.00001; ExAC 0.00002.
gnomAD v4.1: 5 of 1,614,086 alleles (0.00031%); highest among the groups gnomAD compares: African/African-American, 0.0013%; no homozygotes.

Submissions (2):

Labcorp Genetics (formerly Invitae), Labcorp
Classification: Uncertain significance. Last evaluated: 2024-03-05. Review status: criteria provided, single submitter. Criteria: Invitae Variant Classification Sherloc (09022015). Collection method: clinical testing. Allele origin: germline.
Comment: This sequence change replaces histidine, which is basic and polar, with arginine, which is basic and polar, at codon 1796 of the MYH3 protein (p.His1796Arg). This variant is present in population databases (rs761072452, gnomAD 0.002%). This variant has not been reported in the literature in individuals affected with MYH3-related conditions. ClinVar contains an entry for this variant (Variation ID: 2397612). Advanced modeling of protein sequence and biophysical properties (such as structural, functional, and spatial information, amino acid conservation, physicochemical variation, residue mobility, and thermodynamic stability) performed at Invitae indicates that this missense variant is not expected to disrupt MYH3 protein function with a negative predictive value of 95%. In summary, the available evidence is currently insufficient to determine the role of this variant in disease. Therefore, it has been classified as a Variant of Uncertain Significance.

Ambry Genetics
Classification: Uncertain significance for Inborn genetic diseases. Last evaluated: 2021-11-09. Review status: criteria provided, single submitter. Criteria: Ambry Variant Classification Scheme 2023. Collection method: clinical testing. Allele origin: germline.